The following is an entry in ClinVar:

ClinVar aggregate classification (germline): Conflicting classifications of pathogenicity. Review status: criteria provided, conflicting classifications (1 of 4 stars). 3 submissions from 3 submitters: Uncertain significance (2); Benign (1). Last evaluated 2025-09-11.

Conditions:
DICER1-related tumor predisposition. Also called: DICER1-related pleuropulmonary blastoma cancer predisposition syndrome; DICER1 syndrome. Identifiers: Orphanet 284343, MedGen C3839822, MONDO:0100216.
Ovarian cancer. Also called: OVARIAN CANCER, SOMATIC. Identifiers: Orphanet 213500, MedGen C1140680, MONDO:0008170, OMIM 167000.
Hereditary cancer-predisposing syndrome. Also called: Hereditary Cancer Syndrome; Tumor predisposition; Neoplastic Syndromes, Hereditary; Hereditary neoplastic syndrome. Identifiers: Orphanet 140162, MedGen C0027672, MeSH D009386, MONDO:0015356.

Allele frequency attached by ClinVar (database versions not stated): gnomAD exomes below 0.00001; gnomAD 0.00001.
gnomAD v4.1: 3 of 1,613,222 alleles (0.00019%); highest among the groups gnomAD compares: East Asian, 0.0022%; no homozygotes.

Submissions (3):

Labcorp Genetics (formerly Invitae), Labcorp
Classification: Uncertain significance for DICER1-related tumor predisposition. Last evaluated: 2025-09-11. Review status: criteria provided, single submitter. Criteria: Invitae Variant Classification Sherloc (09022015). Collection method: clinical testing. Allele origin: germline.
Comment: This sequence change replaces glycine, which is neutral and non-polar, with cysteine, which is neutral and slightly polar, at codon 162 of the DICER1 protein (p.Gly162Cys). This variant is not present in population databases (gnomAD no frequency). This variant has not been reported in the literature in individuals affected with DICER1-related conditions. ClinVar contains an entry for this variant (Variation ID: 648926). Invitae Evidence Modeling of protein sequence and biophysical properties (such as structural, functional, and spatial information, amino acid conservation, physicochemical variation, residue mobility, and thermodynamic stability) indicates that this missense variant is not expected to disrupt DICER1 protein function with a negative predictive value of 95%. In summary, the available evidence is currently insufficient to determine the role of this variant in disease. Therefore, it has been classified as a Variant of Uncertain Significance.

Ambry Genetics
Classification: Uncertain significance for Hereditary cancer-predisposing syndrome. Last evaluated: 2023-05-03. Review status: criteria provided, single submitter. Criteria: Ambry Variant Classification Scheme 2023. Collection method: clinical testing. Allele origin: germline.
Comment: The p.G162C variant (also known as c.484G>T), located in coding exon 4 of the DICER1 gene, results from a G to T substitution at nucleotide position 484. The glycine at codon 162 is replaced by cysteine, an amino acid with highly dissimilar properties. This amino acid position is not well conserved in available vertebrate species. In addition, the in silico prediction for this alteration is inconclusive. Since supporting evidence is limited at this time, the clinical significance of this alteration remains unclear.

Laboratory of Molecular Epidemiology of Birth Defects, West China Second University Hospital, Sichuan University
Classification: Benign for Ovarian cancer. Last evaluated: 2022-01-01. Review status: criteria provided, single submitter. Criteria: ACMG Guidelines, 2015. Collection method: clinical testing. Allele origin: germline. Affected: yes.

NM_177438.3(DICER1):c.484G>T (p.Gly162Cys)

Gene: DICER1 (dicer 1, ribonuclease III; minus strand). Cytogenetic location: 14q32.13.
Variant type: single nucleotide variant.
Coding change: c.484G>T on transcript NM_177438.3 (MANE Select); coding-DNA position 484, G replaced by T.
Protein change: p.Gly162Cys; replaces glycine 162 with cysteine.
Molecular consequence: missense variant.
Genome position (GRCh38, 1-based): chr14:95,130,147, C>A on the plus strand (G>T on the coding strand, the complement: DICER1 is on the minus strand). VCF-style: chr14-95130147-C-A. GRCh37 (hg19) VCF-style: chr14-95596484-C-A.
Other names: c.484G>T, p.Gly162Cys (NM_001195573.1, NM_001271282.3, NM_001291628.2 and 1 more transcripts); short protein forms G162C.
Identifiers: ClinVar variation 648926 (VCV000648926.15), dbSNP rs1595459155, ClinGen allele CA390888517.